The following is an entry in ClinVar:

ClinVar aggregate classification (germline): Pathogenic (1 of 4 stars; one submission).

Conditions:
Otospondylomegaepiphyseal dysplasia, autosomal recessive (OSMEDB). Also called: CHONDRODYSTROPHY WITH SENSORINEURAL DEAFNESS; Insley-Astley syndrome. Identifiers: Orphanet 1427, MedGen CN034493, MONDO:0044206, OMIM 215150.

Submission:

Clinical Genetics and Genomics, Karolinska University Hospital
Classification: Pathogenic for Otospondylomegaepiphyseal dysplasia, autosomal recessive. Last evaluated: 2026-04-07. Review status: criteria provided, single submitter. Criteria: ACMG Guidelines, 2015. Collection method: clinical testing. Allele origin: unknown. Affected: yes.
Comment: The nonsense variant is predicted to result in protein truncation or nonsense mediated decay in a gene for which loss of function is a known mechanism of disease. Reporterd in ClinVar (Variation ID: 2098356). Not observed at significant frequency in large population cohorts (gnomAD).

NM_080680.3(COL11A2):c.3640G>T (p.Glu1214Ter)

Gene: COL11A2 (collagen type XI alpha 2 chain; minus strand). Cytogenetic location: 6p21.32.
Variant type: single nucleotide variant.
Coding change: c.3640G>T on transcript NM_080680.3 (MANE Select); coding-DNA position 3640, G replaced by T.
Protein change: p.Glu1214Ter; replaces glutamic acid 1214 with a stop codon.
Molecular consequence: nonsense.
Genome position (GRCh38, 1-based): chr6:33,169,881, C>A on the plus strand (G>T on the coding strand, the complement: COL11A2 is on the minus strand). VCF-style: chr6-33169881-C-A. GRCh37 (hg19) VCF-style: chr6-33137658-C-A.
Other names: c.3460G>T, p.Glu1154Ter (NM_001424108.1); c.2794G>T, p.Glu932Ter (NM_001424109.1); c.2614G>T, p.Glu872Ter (NM_001424110.1, NM_001424111.1); c.1594G>T, p.Glu532Ter (NM_001424112.1); c.3319G>T, p.Glu1107Ter (NM_080679.3); c.3382G>T, p.Glu1128Ter (NM_080681.3); short protein forms E1107*, E1128*, E1154*, E1214*, E532*, E872*, E932*.
Identifiers: ClinVar variation 4850907 (VCV004850907.1).